The following is an entry in ClinVar:

ClinVar aggregate classification (germline): Uncertain significance (1 of 4 stars; one submission).

Submission:

GeneDx
Classification: Uncertain significance. Last evaluated: 2024-11-18. Review status: criteria provided, single submitter. Criteria: GeneDx Variant Classification Process June 2021. Collection method: clinical testing. Allele origin: germline. Affected: yes.
Comment: Not observed at significant frequency in large population cohorts (gnomAD); In silico analysis supports that this missense variant has a deleterious effect on protein structure/function; Has not been previously published as pathogenic or benign to our knowledge

NM_001009944.3(PKD1):c.12410T>G (p.Leu4137Arg)

Gene: PKD1 (polycystin 1, transient receptor potential channel interacting; minus strand). Cytogenetic location: 16p13.3.
Variant type: single nucleotide variant.
Coding change: c.12410T>G on transcript NM_001009944.3 (MANE Select); coding-DNA position 12410, T replaced by G.
Protein change: p.Leu4137Arg; replaces leucine 4137 with arginine.
Molecular consequence: missense variant.
Genome position (GRCh38, 1-based): chr16:2,090,319, A>C on the plus strand (T>G on the coding strand, the complement: PKD1 is on the minus strand). VCF-style: chr16-2090319-A-C. GRCh37 (hg19) VCF-style: chr16-2140320-A-C.
Other names: c.12407T>G, p.Leu4136Arg (NM_000296.4); short protein forms L4136R, L4137R.
Identifiers: ClinVar variation 3899746 (VCV003899746.1).